The following is an entry in ClinVar:

ClinVar aggregate classification (germline): Likely pathogenic (1 of 4 stars; one submission).

Conditions:
Beck-Fahrner syndrome (BEFAHRS). Identifiers: Orphanet 684216, MedGen C5394097, MONDO:0032922, OMIM 618798.

Submission:

3billion
Classification: Likely pathogenic for Beck-Fahrner syndrome. Review status: criteria provided, single submitter. Criteria: ACMG Guidelines, 2015. Collection method: clinical testing. Allele origin: unknown. Affected: yes. Observed: 1 heterozygote.
Comment: The variant is not observed in the gnomAD v2.1.1 dataset. The variant is predicted to result in a loss or disruption of normal protein function through protein truncation. Multiple pathogenic variants are reported in the predicted truncated region. Therefore, this variant is classified as Likely pathogenic according to the recommendation of ACMG/AMP guideline.

NM_001287491.2(TET3):c.4851del (p.Ser1618fs)

Gene: TET3 (tet methylcytosine dioxygenase 3; plus strand). Cytogenetic location: 2p13.1.
Variant type: Deletion.
Coding change: c.4851del on transcript NM_001287491.2 (MANE Select); coding-DNA position 4851, one base deleted (C; older notation c.4851delC).
Protein change: p.Ser1618fs; shifts the reading frame from serine 1618.
Molecular consequence: frameshift variant.
Genome position (GRCh38, 1-based): chr2:74,101,639, C deleted; the last of 6 consecutive C bases (chr2:74,101,634-74,101,639); deleting any one gives the same sequence. VCF-style (leftmost placement, unchanged base first): chr2-74101633-GC-G. GRCh37 (hg19) VCF-style: chr2-74328760-GC-G.
Other names: c.4572del, p.Ser1525fs (NM_001366022.1); c.4446delC, p.Ser1483Alafs (NM_144993.1); short protein forms S1525fs, S1618fs.
Identifiers: ClinVar variation 2572535 (VCV002572535.1), dbSNP rs2528198828, ClinGen allele CA427029518.
Genomic context (GRCh38, chr2:74,101,633, plus strand): 5'-TCTGAAGTCAGAGGAGAAGCTGTGGGACCCCTTCAGCCTGGAGGAGGGGCCGGCTGAGGA[GC>G]CCCCCAGCAAGGGAGCGGTGAAGGAGGAGAAGGGCGGTGGTGGTGCGGAGGAGGAAGAGG-3'